The following is an entry in ClinVar:

NM_001089.3(ABCA3):c.447+11C>T

Gene: ABCA3 (ATP binding cassette subfamily A member 3; minus strand). Cytogenetic location: 16p13.3.
Variant type: single nucleotide variant.
Coding change: c.447+11C>T on transcript NM_001089.3 (MANE Select); 11 bases into the intron after coding-DNA position 447, C replaced by T.
Molecular consequence: intron variant.
Genome position (GRCh38, 1-based): chr16:2,324,393, G>A on the plus strand (C>T on the coding strand, the complement: ABCA3 is on the minus strand). VCF-style: chr16-2324393-G-A. GRCh37 (hg19) VCF-style: chr16-2374394-G-A.
Identifiers: ClinVar variation 162675 (VCV000162675.19), dbSNP rs117031141, ClinGen allele CA175148.

ClinVar aggregate classification (germline): Benign/Likely benign. Review status: criteria provided, multiple submitters, no conflicts (2 of 4 stars). 6 submissions from 6 submitters: Benign (5); Likely benign (1). Last evaluated 2026-02-04.

Conditions:
Hereditary pulmonary alveolar proteinosis. Also called: Pulmonary surfactant metabolism dysfunction. Identifiers: Orphanet 264675, MedGen C3711368, MONDO:0012580.
Interstitial lung disease due to ABCA3 deficiency. Also called: PULMONARY ALVEOLAR PROTEINOSIS, CONGENITAL, 3. Identifiers: Orphanet 440402, MedGen C1970456, MONDO:0012582, OMIM 610921.

Allele frequency attached by ClinVar (database versions not stated): 1000 Genomes Project 0.00779; 1000 Genomes Project 30x 0.00812; TOPMed 0.01684; ESP Exome Variant Server 0.01748; gnomAD exomes 0.01793 and 0.02395; gnomAD 0.01911 and 0.01978; ExAC 0.03275.
gnomAD v4.1: 37,155 of 1,587,038 alleles (2.3%); highest among the groups gnomAD compares: Non-Finnish European, 2.7%; 524 homozygotes.

Submissions (6):

Labcorp Genetics (formerly Invitae), Labcorp
Classification: Benign. Last evaluated: 2026-02-04. Review status: criteria provided, single submitter. Criteria: Invitae Variant Classification Sherloc (09022015). Collection method: clinical testing. Allele origin: germline.

Blueprint Genetics
Classification: Likely benign. Last evaluated: 2024-11-27. Review status: criteria provided, single submitter. Criteria: ACMG Guidelines, 2015. Collection method: clinical testing. Allele origin: germline.

Ambry Genetics
Classification: Benign for Hereditary pulmonary alveolar proteinosis. Last evaluated: 2018-08-23. Review status: criteria provided, single submitter. Criteria: Ambry Variant Classification Scheme 2023. Collection method: clinical testing. Allele origin: germline.

Illumina Laboratory Services, Illumina
Classification: Benign for Interstitial lung disease due to ABCA3 deficiency. Last evaluated: 2018-01-12. Review status: criteria provided, single submitter. Criteria: ICSL Variant Classification Criteria 13 December 2019. Collection method: clinical testing. Allele origin: germline.
Comment: This variant was observed in the ICSL laboratory as part of a predisposition screen in an ostensibly healthy population. It had not been previously curated by ICSL or reported in the Human Gene Mutation Database (HGMD: prior to June 1st, 2018), and was therefore a candidate for classification through an automated scoring system. Utilizing variant allele frequency, disease prevalence and penetrance estimates, and inheritance mode, an automated score was calculated to assess if this variant is too frequent to cause the disease. Based on the score and internal cut-off values, a variant classified as benign is not then subjected to further curation. The score for this variant resulted in a classification of benign for this disease.

Laboratory for Molecular Medicine, Mass General Brigham Personalized Medicine
Classification: Benign. Last evaluated: 2013-02-21. Review status: criteria provided, single submitter. Criteria: LMM Criteria. Collection method: clinical testing. Allele origin: germline. Observed: 7 variant alleles.
Comment: 447+11C>T in intron 6 of ABCA3: This variant is not expected to have clinical si gnificance because it is not located within the conserved splice consensus seque nce. It has been identified in 2.4% (210/8594) of European American chromosomes from a broad population by the NHLBI Exome Sequencing Project (dbSNP rs117031141).

Breakthrough Genomics
Classification: Benign. Review status: criteria provided, single submitter. Criteria: ACMG Guidelines, 2015. Collection method: not provided. Allele origin: germline. Inheritance: Autosomal recessive inheritance. Affected: yes.